The following is an entry in ClinVar:

ClinVar aggregate classification (germline): Uncertain significance. Review status: criteria provided, multiple submitters, no conflicts (2 of 4 stars). 2 submissions from 2 submitters: Uncertain significance (2). Last evaluated 2025-12-15.

Conditions:
Multiple endocrine neoplasia, type 1 (MEN1). Also called: MEN I; WERMER SYNDROME; Endocrine adenomatosis multiple; MEN 1; MEA I. Identifiers: Orphanet 652, MedGen C0025267, MeSH D018761, MONDO:0007540, OMIM 131100.
Hereditary cancer-predisposing syndrome. Also called: Neoplastic Syndromes, Hereditary; Tumor predisposition; Hereditary neoplastic syndrome; Hereditary Cancer Syndrome. Identifiers: Orphanet 140162, MedGen C0027672, MeSH D009386, MONDO:0015356.

Allele frequency attached by ClinVar (database versions not stated): gnomAD exomes below 0.00001.

Submissions (2):

Labcorp Genetics (formerly Invitae), Labcorp
Classification: Uncertain significance for Multiple endocrine neoplasia, type 1. Last evaluated: 2025-12-15. Review status: criteria provided, single submitter. Criteria: Invitae Variant Classification Sherloc (09022015). Collection method: clinical testing. Allele origin: germline.
Comment: This sequence change replaces alanine, which is neutral and non-polar, with valine, which is neutral and non-polar, at codon 49 of the MEN1 protein (p.Ala49Val). This variant is not present in population databases (gnomAD no frequency). This missense change has been observed in individual(s) with multiple endocrine neoplasia, type 1 (PMID: 22026581). ClinVar contains an entry for this variant (Variation ID: 527279). Invitae Evidence Modeling of protein sequence and biophysical properties (such as structural, functional, and spatial information, amino acid conservation, physicochemical variation, residue mobility, and thermodynamic stability) indicates that this missense variant is expected to disrupt MEN1 protein function with a positive predictive value of 80%. This variant disrupts the p.Ala49 amino acid residue in MEN1. Other variant(s) that disrupt this residue have been observed in individuals with MEN1-related conditions (PMID: 12746426), which suggests that this may be a clinically significant amino acid residue. In summary, the available evidence is currently insufficient to determine the role of this variant in disease. Therefore, it has been classified as a Variant of Uncertain Significance.

Ambry Genetics
Classification: Uncertain significance for Hereditary cancer-predisposing syndrome. Last evaluated: 2025-07-15. Review status: criteria provided, single submitter. Criteria: Ambry Variant Classification Scheme 2023. Collection method: clinical testing. Allele origin: germline.
Comment: The p.A49V variant (also known as c.146C>T), located in coding exon 1 of the MEN1 gene, results from a C to T substitution at nucleotide position 146. The alanine at codon 49 is replaced by valine, an amino acid with similar properties. This amino acid position is highly conserved in available vertebrate species. In addition, this alteration is predicted to be deleterious by in silico analysis. Based on the available evidence, the clinical significance of this variant remains unclear.

Literature cited by the submitters: PubMed 22026581 (cited by Labcorp Genetics (formerly Invitae), Labcorp); PubMed 12746426 (cited by Labcorp Genetics (formerly Invitae), Labcorp).

NM_001370259.2(MEN1):c.146C>T (p.Ala49Val)

Gene: MEN1 (menin 1; minus strand). Cytogenetic location: 11q13.1.
Variant type: single nucleotide variant.
Coding change: c.146C>T on transcript NM_001370259.2 (MANE Select); coding-DNA position 146, C replaced by T.
Protein change: p.Ala49Val; replaces alanine 49 with valine.
Molecular consequence: missense variant.
Genome position (GRCh38, 1-based): chr11:64,809,964, G>A on the plus strand (C>T on the coding strand, the complement: MEN1 is on the minus strand). VCF-style: chr11-64809964-G-A. GRCh37 (hg19) VCF-style: chr11-64577436-G-A.
Other names: c.146C>T, p.Ala49Val (NM_130801.3, NM_130802.3, NM_130803.3 and 9 more transcripts); short protein forms A49V.
Identifiers: ClinVar variation 527279 (VCV000527279.11), dbSNP rs1555166674, ClinGen allele CA381187800.
Genomic context (GRCh38, chr11:64,809,964, plus strand): 5'-GGGGCGGGGCTGGGCTGGAAGGTGAGCTCGGGAACGTTGGTAGGGATGACGCGGTTGACA[G>A]CCAGAAAATGCTCCACGAAGCCCAGCACCAAGGAAAGGAGCACCAGGTCCGGCTCCTCTC-3'
Protein context (NP_001357188.2, residues 39-59): LVLGFVEHFL[Ala49Val]VNRVIPTNVP